The following is an entry in ClinVar:

ClinVar aggregate classification (germline): Uncertain significance (1 of 4 stars; one submission).

Conditions:
Hereditary cancer-predisposing syndrome. Also called: Neoplastic Syndromes, Hereditary; Tumor predisposition; Hereditary Cancer Syndrome; Hereditary neoplastic syndrome. Identifiers: Orphanet 140162, MedGen C0027672, MeSH D009386, MONDO:0015356.

Submission:

Ambry Genetics
Classification: Uncertain significance for Hereditary cancer-predisposing syndrome. Last evaluated: 2022-10-21. Review status: criteria provided, single submitter. Criteria: Ambry Variant Classification Scheme 2023. Collection method: clinical testing. Allele origin: germline.
Comment: The p.Q985K variant (also known as c.2953C>A), located in coding exon 17 of the DICER1 gene, results from a C to A substitution at nucleotide position 2953. The glutamine at codon 985 is replaced by lysine, an amino acid with similar properties. This amino acid position is conserved. In addition, the in silico prediction for this alteration is inconclusive. Since supporting evidence is limited at this time, the clinical significance of this alteration remains unclear.

NM_177438.3(DICER1):c.2953C>A (p.Gln985Lys)

Gene: DICER1 (dicer 1, ribonuclease III; minus strand). Cytogenetic location: 14q32.13.
Variant type: single nucleotide variant.
Coding change: c.2953C>A on transcript NM_177438.3 (MANE Select); coding-DNA position 2953, C replaced by A.
Protein change: p.Gln985Lys; replaces glutamine 985 with lysine.
Molecular consequence: missense variant. On other transcripts: non-coding transcript variant (6).
Genome position (GRCh38, 1-based): chr14:95,106,075, G>T on the plus strand (C>A on the coding strand, the complement: DICER1 is on the minus strand). VCF-style: chr14-95106075-G-T. GRCh37 (hg19) VCF-style: chr14-95572412-G-T.
Other names: c.2548C>A, p.Gln850Lys (NM_001395696.1, NM_001395687.1, NM_001395688.1 and 2 more transcripts); c.1270C>A, p.Gln424Lys (NM_001395697.1); c.2953C>A, p.Gln985Lys (NM_030621.4, NM_001195573.1, NM_001271282.3 and 13 more transcripts); c.2671C>A, p.Gln891Lys (NM_001395686.1); c.2386C>A, p.Gln796Lys (NM_001395691.1); short protein forms Q985K, Q850K, Q891K, Q424K, Q796K.
Identifiers: ClinVar variation 1798082 (VCV001798082.2), dbSNP rs2542785732, ClinGen allele CA390878877.